The following is an entry in ClinVar:

NM_000181.4(GUSB):c.1617C>T (p.Ser539=)

Genes: GUSB (glucuronidase beta; minus strand), LOC126860055 (MED14-independent group 3 enhancer GRCh37_chr7:65432190-65433389; plus strand). Cytogenetic location: 7q11.21.
Variant type: single nucleotide variant.
Coding change: c.1617C>T on transcript NM_000181.4 (MANE Select); coding-DNA position 1617, C replaced by T.
Protein change: p.Ser539=; no amino-acid change (serine 539 retained).
Molecular consequence: synonymous variant. On other transcripts: non-coding transcript variant (1).
Genome position (GRCh38, 1-based): chr7:65,967,767, G>A on the plus strand (C>T on the coding strand, the complement: GUSB is on the minus strand). VCF-style: chr7-65967767-G-A. GRCh37 (hg19) VCF-style: chr7-65432754-G-A.
Other names: c.1179C>T, p.Ser393= (NM_001284290.2); c.1047C>T, p.Ser349= (NM_001293104.2); c.960C>T, p.Ser320= (NM_001293105.2).
Identifiers: ClinVar variation 901 (VCV000000901.15), dbSNP rs377519272, ClinGen allele CA339847.

ClinVar aggregate classification (germline): Pathogenic/Likely pathogenic. Review status: criteria provided, multiple submitters, no conflicts (2 of 4 stars). 7 submissions from 7 submitters: Pathogenic (4); Likely pathogenic (2). 1 of the submissions does not count toward it. Last evaluated 2026-08-14.

Conditions:
GUSB-related disorder. Also called: GUSB-related condition.
Mucopolysaccharidosis type 7 (MPS7). Also called: BETA-GLUCURONIDASE DEFICIENCY; MPS VII; SLY SYNDROME; GUSB DEFICIENCY. Identifiers: Orphanet 584, MedGen C0085132, MONDO:0009662, OMIM 253220.

Allele frequency attached by ClinVar (database versions not stated): ExAC 0.00003; gnomAD exomes 0.00003; gnomAD 0.00004; TOPMed 0.00005; ESP Exome Variant Server 0.00008.
gnomAD v4.1: 117 of 1,613,440 alleles (0.0073%); highest among the groups gnomAD compares: Non-Finnish European, 0.0097%; no homozygotes.

Submissions (9):

PreventionGenetics, part of Exact Sciences
Classification: Likely pathogenic for GUSB-related condition. Last evaluated: 2026-08-14. Review status: criteria provided, single submitter. Criteria: ACMG Guidelines, 2015. Collection method: clinical testing. Allele origin: germline.
Comment: The GUSB c.1617C>T variant is not predicted to result in an amino acid change (p.=). This variant has been reported in the homozygous or compound heterozygous state in individuals with mucopolysaccharidosis VII and RNA analysis indicates it leads to partial skipping of exon 10 and complete skipping of exon 9 (Yamada et al. 1995. PubMed ID: 7633414; Furlan et al. 2018. PubMed ID: 30442200). This variant is reported in 0.0070% of alleles in individuals of European (non-Finnish) descent in gnomAD. This variant is interpreted as likely pathogenic.

GeneDx
Classification: Pathogenic. Last evaluated: 2026-02-05. Review status: criteria provided, single submitter. Criteria: GeneDx Variant Classification Process June 2021. Collection method: clinical testing. Allele origin: germline.
Comment: Published functional studies demonstrate significantly reduced b-glucuronidase activity (PMID: 7633414); RNA studies demonstrate a damaging effect on splicing involving partial skipping of exon 10 and complete skipping of exon 9 (PMID: 30442200); Not observed at significant frequency in large population cohorts (gnomAD); In silico analysis supports a deleterious effect on splicing; This variant is associated with the following publications: (PMID: 19224584, 7633414, 30442200, 33147747, 33578874)

Women's Health and Genetics/Laboratory Corporation of America, LabCorp
Classification: Pathogenic for Mucopolysaccharidosis type 7. Last evaluated: 2025-11-03. Review status: criteria provided, single submitter. Criteria: LabCorp Variant Classification Summary - May 2015. Collection method: clinical testing. Allele origin: germline.
Comment: Variant summary: GUSB c.1617C>T alters a conserved nucleotide resulting in a synonymous change. Several computational tools predict a significant impact on normal splicing: Four predict the variant creates a 5' donor site. Publications report experimental evidence that this variant indeed affects mRNA splicing, resulting in the partial skipping of exon 10 (Yamada_1995, Furlan_2018). The variant allele was found at a frequency of 3.2e-05 in 251100 control chromosomes. c.1617C>T has been observed in the compound heterozygous state and the homozygous state in individuals affected with Mucopolysaccharidosis Type VII (Sly Syndrome) (e.g. Yamada_1995, Furlan_2018). These data indicate that the variant is likely to be associated with disease. At least one publication reports experimental evidence evaluating an impact on protein function and found that the variant results in <10% of normal enzyme activity in vitro (Yamada_1995). The following publications have been ascertained in the context of this evaluation (PMID: 30442200, 7633414). ClinVar contains an entry for this variant (Variation ID: 901). Based on the evidence outlined above, the variant was classified as pathogenic.

Labcorp Genetics (formerly Invitae), Labcorp
Classification: Pathogenic for Mucopolysaccharidosis type 7. Last evaluated: 2024-01-18. Review status: criteria provided, single submitter. Criteria: Invitae Variant Classification Sherloc (09022015). Collection method: clinical testing. Allele origin: germline.
Comment: This sequence change affects codon 539 of the GUSB mRNA. It is a 'silent' change, meaning that it does not change the encoded amino acid sequence of the GUSB protein. RNA analysis indicates that this variant induces altered splicing and may result in an absent or disrupted protein product. This variant is present in population databases (rs377519272, gnomAD 0.008%). This variant has been observed in individual(s) with mucopolysaccharidosis (MPS) VII (PMID: 7633414, 30442200). In at least one individual the data is consistent with being in trans (on the opposite chromosome) from a pathogenic variant. It has also been observed to segregate with disease in related individuals. ClinVar contains an entry for this variant (Variation ID: 901). Studies have shown that this variant results in aberrant splicing and introduces a premature termination codon (PMID: 7633414, 30442200). The resulting mRNA is expected to undergo nonsense-mediated decay. For these reasons, this variant has been classified as Pathogenic.

Victorian Clinical Genetics Services, Murdoch Childrens Research Institute
Classification: Pathogenic for Mucopolysaccharidosis type 7. Last evaluated: 2022-03-31. Review status: criteria provided, single submitter. Criteria: ACMG Guidelines, 2015. Collection method: clinical testing. Allele origin: germline. Inheritance: Autosomal recessive inheritance. Affected: yes.
Comment: Based on the classification scheme VCGS_Germline_v1.3.4, this variant is classified as Pathogenic. Following criteria are met: 0102 - Loss of function is a known mechanism of disease in this gene and is associated with mucopolysaccharidosis VII (MIM#253220). (I) 0106 - This gene is associated with autosomal recessive disease. (I) 0210 - Splice site variant proven to affect splicing of the transcript with a known effect on protein sequence. RT-PCR studies have shown that this variant creates a cryptic donor splice site that leads to two abnormal splicing outcomes - partial skipping of exon 10 and complete skipping of exon 9. Both of these abnormal splicing events cause out of frame deletions and NMD-predicted frameshifts, p.(Ser539Argfs*8) for partial exon 10 skipping and p.(Met465Leufs*6) for exon 9 skipping (PMIDs: 30442200, 7633414). (SP) 0251 - This variant is heterozygous. (I) 0304 - Variant is present in gnomAD v2 <0.01 for a recessive condition (10 heterozygotes, 0 homozygotes). (SP) 0701 - Other NMD predicted variants comparable to the one identified in this case have very strong previous evidence for pathogenicity (DECIPHER, PMID: 19224584). (SP) 0803 - This variant has limited previous evidence of pathogenicity in two unrelated individuals. This variant has been observed as compound heterozygous in one individual and as homozygous in another with mucopolysaccharidosis (PMIDs: 30442200, 7633414). (SP) 0905 - No published segregation evidence has been identified for this variant. (I) 1002 - This variant has moderate functional evidence supporting abnormal protein function. Functional studies in fibroblasts found variant protein had significantly reduced enzyme activity compared to wild type protein (PMID: 7633414). (SP) 1208 - Inheritance information for this variant is not currently available in this individual. (I) Legend: (SP) - Supporting pathogenic, (I) - Information, (SB) - Supporting benign

Fulgent Genetics
Classification: Likely pathogenic for Mucopolysaccharidosis type 7. Last evaluated: 2021-08-11. Review status: criteria provided, single submitter. Criteria: ACMG Guidelines, 2015. Collection method: clinical testing. Allele origin: unknown.

OMIM
Classification: Pathogenic for MUCOPOLYSACCHARIDOSIS, TYPE VII. Last evaluated: 1995-04-01. Review status: no assertion criteria provided. Collection method: literature only. Allele origin: germline. Not counted in ClinVar's aggregate classification.

Dr. Peter K. Rogan Lab, Western University
No classification provided (evidence only). Condition: Uterine corpus endometrial carcinoma. Review status: no classification provided. Collection method: in vitro. Allele origin: not applicable. Functional consequence: retained intron. Not counted in ClinVar's aggregate classification.

Dr. Peter K. Rogan Lab, Western University
No classification provided (evidence only). Condition: Uterine corpus endometrial carcinoma. Review status: no classification provided. Collection method: in vitro. Allele origin: not applicable. Functional consequence: retained intron. Not counted in ClinVar's aggregate classification.

Literature cited by the submitters: PubMed 7633414 (cited by 4 submitters); PubMed 30442200 (cited by 3 submitters); PubMed 19224584 (cited by Victorian Clinical Genetics Services, Murdoch Childrens Research Institute).